The following is an entry in ClinVar:

NM_001369.3(DNAH5):c.2557_2565delinsAA (p.Glu853fs)

Genes: DNAH5-AS1 (DNAH5 antisense RNA 1; plus strand), DNAH5 (dynein axonemal heavy chain 5; minus strand). Cytogenetic location: 5p15.2.
Variant type: Indel.
Coding change: c.2557_2565delinsAA on transcript NM_001369.3 (MANE Select); coding-DNA positions 2557 to 2565, GAGTTTCTC replaced by AA.
Protein change: p.Glu853fs; shifts the reading frame from glutamic acid 853.
Molecular consequence: frameshift variant.
Genome position (GRCh38, 1-based): chr5:13,890,988-13,890,996, GAGAAACTC replaced by TT on the plus strand (GAGTTTCTC replaced by AA on the coding strand, the reverse complement: DNAH5 is on the minus strand). VCF-style: chr5-13890988-GAGAAACTC-TT. GRCh37 (hg19) VCF-style: chr5-13891097-GAGAAACTC-TT.
Other names: short protein forms E853fs.
Identifiers: ClinVar variation 1724867 (VCV001724867.2), dbSNP rs2547056929, ClinGen allele CA2580072171.

ClinVar aggregate classification (germline): Likely pathogenic (1 of 4 stars; one submission).

Conditions:
Primary ciliary dyskinesia 3. Identifiers: Orphanet 244, MedGen C1837618, MONDO:0012085, OMIM 608644.

Submission:

Myriad Genetics, Inc.
Classification: Likely pathogenic for Primary ciliary dyskinesia 3. Last evaluated: 2022-03-02. Review status: criteria provided, single submitter. Criteria: Myriad Women's Health Autosomal Recessive and X-Linked Classification Criteria (2021). Collection method: clinical testing. Allele origin: unknown.
Comment: NM_001369.2(DNAH5):c.2557_2565del9ins2(E853Nfs*3) is expected to be pathogenic in the context of DNAH5-related primary ciliary dyskinesia. This variant is predicted to lead to an abnormal or absent protein product due to the creation of a premature termination codon in DNAH5, a gene where loss-of-function variants are known to be pathogenic. Please note: this variant was assessed in the context of healthy population screening.